The following is an entry in ClinVar:

NM_033109.5(PNPT1):c.977-212A>G

Gene: PNPT1 (polyribonucleotide nucleotidyltransferase 1; minus strand). Cytogenetic location: 2p16.1.
Variant type: single nucleotide variant.
Coding change: c.977-212A>G on transcript NM_033109.5 (MANE Select); 212 bases into the intron before coding-DNA position 977, A replaced by G.
Molecular consequence: intron variant.
Genome position (GRCh38, 1-based): chr2:55,668,170, T>C on the plus strand (A>G on the coding strand, the complement: PNPT1 is on the minus strand). VCF-style: chr2-55668170-T-C. GRCh37 (hg19) VCF-style: chr2-55895305-T-C.
Identifiers: ClinVar variation 671545 (VCV000671545.1), dbSNP rs12993839, ClinGen allele CA15154030.

ClinVar aggregate classification (germline): Benign (1 of 4 stars; one submission).

Allele frequency attached by ClinVar (database versions not stated): gnomAD 0.11716 and 0.11813; TOPMed 0.12006; 1000 Genomes Project 0.12899; 1000 Genomes Project 30x 0.13226.
gnomAD v4.1: 17,987 of 152,300 alleles (12%); highest among the groups gnomAD compares: East Asian, 25%; 1,349 homozygotes.

Submission:

GeneDx
Classification: Benign. Last evaluated: 2018-06-14. Review status: criteria provided, single submitter. Criteria: GeneDx Variant Classification (06012015). Collection method: clinical testing. Allele origin: germline. Affected: yes.
Comment: This variant is considered likely benign or benign based on one or more of the following criteria: it is a conservative change, it occurs at a poorly conserved position in the protein, it is predicted to be benign by multiple in silico algorithms, and/or has population frequency not consistent with disease.